The following is an entry in ClinVar:

ClinVar aggregate classification (germline): Likely pathogenic. Review status: criteria provided, multiple submitters, no conflicts (2 of 4 stars). 2 submissions from 2 submitters: Likely pathogenic (2). Last evaluated 2026-05-18.

Conditions:
Short-rib thoracic dysplasia 10 with or without polydactyly (SRTD10). Identifiers: Orphanet 474, MedGen C3810175, MONDO:0014284, OMIM 615630.
Bardet-Biedl syndrome 20. Identifiers: MedGen C4310707, MONDO:0023670, OMIM 619471, MONDO:0014926.
Retinitis pigmentosa 71 (RP71). Identifiers: Orphanet 791, MedGen C4225342, MONDO:0014618, OMIM 616394.
IFT172-related disorder. Also called: IFT172-related disorders; IFT172-related condition.

Submissions (2):

PreventionGenetics, part of Exact Sciences
Classification: Likely pathogenic for IFT172-related condition. Last evaluated: 2026-05-18. Review status: criteria provided, single submitter. Criteria: ACMG Guidelines, 2015. Collection method: clinical testing. Allele origin: germline.
Comment: The IFT172 c.2212A>T variant is predicted to result in premature protein termination (p.Lys738*). This variant has not been reported in the literature or in a large population database (gnomAD), indicating this variant is rare. Nonsense variants in IFT172 are expected to be pathogenic. This variant is interpreted as likely pathogenic.

Fulgent Genetics
Classification: Likely pathogenic for Short-rib thoracic dysplasia 10 with or without polydactyly; Retinitis pigmentosa 71; Bardet-Biedl syndrome 20. Last evaluated: 2024-05-19. Review status: criteria provided, single submitter. Criteria: ACMG Guidelines, 2015. Collection method: clinical testing. Allele origin: germline.

NM_015662.3(IFT172):c.2212A>T (p.Lys738Ter)

Gene: IFT172 (intraflagellar transport 172; minus strand). Cytogenetic location: 2p23.3.
Variant type: single nucleotide variant.
Coding change: c.2212A>T on transcript NM_015662.3 (MANE Select); coding-DNA position 2212, A replaced by T.
Protein change: p.Lys738Ter; replaces lysine 738 with a stop codon.
Molecular consequence: nonsense.
Genome position (GRCh38, 1-based): chr2:27,461,499, T>A on the plus strand (A>T on the coding strand, the complement: IFT172 is on the minus strand). VCF-style: chr2-27461499-T-A. GRCh37 (hg19) VCF-style: chr2-27684366-T-A.
Other names: c.2212A>T (NM_015662.2); c.2146A>T, p.Lys716Ter (NM_001410739.1); short protein forms K716*, K738*.
Identifiers: ClinVar variation 3586338 (VCV003586338.2).